The following is an entry in ClinVar:

ClinVar aggregate classification (germline): Uncertain significance. Review status: criteria provided, multiple submitters, no conflicts (2 of 4 stars). 5 submissions from 5 submitters: Uncertain significance (4). 1 of the submissions does not count toward it. Last evaluated 2025-12-20.

Conditions:
Cystic fibrosis (CF). Also called: MUCOVISCIDOSIS. Identifiers: Orphanet 586, MedGen C0010674, MONDO:0009061, OMIM 219700. Disease mechanism: loss of function.
CFTR-related disorder (CFTR-RD). Also called: CFTR-related disorders; CFTR-related condition. Identifiers: MedGen C5924204, MONDO:7770004.

Allele frequency attached by ClinVar (database versions not stated): gnomAD exomes below 0.00001; TOPMed below 0.00001; ExAC 0.00001; gnomAD 0.00001.
gnomAD v4.1: 2 of 1,559,798 alleles (0.00013%); highest among the groups gnomAD compares: Admixed American, 0.0017%; no homozygotes.

Submissions (5):

Women's Health and Genetics/Laboratory Corporation of America, LabCorp
Classification: Uncertain significance. Last evaluated: 2025-12-20. Review status: criteria provided, single submitter. Criteria: LabCorp Variant Classification Summary - May 2015. Collection method: clinical testing. Allele origin: germline.
Comment: Variant summary: CFTR c.1133A>G (p.Gln378Arg) results in a conservative amino acid change in the encoded protein sequence. Algorithms developed to predict the effect of missense changes on protein structure and function are either unavailable or do not agree on the potential impact of this missense change. The variant allele was found at a frequency of 4e-06 in 250498 control chromosomes. The available data on variant occurrences in the general population are insufficient to allow any conclusion about variant significance. c.1133A>G has been reported in the literature in at least one individual screened for Cystic Fibrosis (e.g. Kanavakis_2003, Poulou_2012). These report(s) do not provide unequivocal conclusions about association of the variant with Cystic Fibrosis. To our knowledge, no experimental evidence demonstrating an impact on protein function has been reported. The following publications have been ascertained in the context of this evaluation (PMID: 12752573, 22326559). ClinVar contains an entry for this variant (Variation ID: 556550). Based on the evidence outlined above, the variant was classified as uncertain significance.

Quest Diagnostics Nichols Institute San Juan Capistrano
Classification: Uncertain significance. Last evaluated: 2025-05-19. Review status: criteria provided, single submitter. Criteria: Quest Diagnostics criteria. Collection method: clinical testing. Allele origin: unknown.
Comment: The CFTR c.1133A>G (p.Gln378Arg) variant has been reported in an individual with cystic fibrosis (PMID: 12752573 (2003), CFMD). The frequency of this variant in the general population (Genome Aggregation Database) is uninformative in the assessment of its pathogenicity. Analysis of this variant using bioinformatics tools for the prediction of the effect of amino acid changes on protein structure and function yielded conflicting predictions that this variant is deleterious or benign. Based on the available information, we are unable to determine the clinical significance of this variant.

Labcorp Genetics (formerly Invitae), Labcorp
Classification: Uncertain significance for Cystic fibrosis. Last evaluated: 2023-09-04. Review status: criteria provided, single submitter. Criteria: Invitae Variant Classification Sherloc (09022015). Collection method: clinical testing. Allele origin: germline.
Comment: In summary, the available evidence is currently insufficient to determine the role of this variant in disease. Therefore, it has been classified as a Variant of Uncertain Significance. Advanced modeling of protein sequence and biophysical properties (such as structural, functional, and spatial information, amino acid conservation, physicochemical variation, residue mobility, and thermodynamic stability) performed at Invitae indicates that this missense variant is not expected to disrupt CFTR protein function. ClinVar contains an entry for this variant (Variation ID: 556550). This variant has not been reported in the literature in individuals affected with CFTR-related conditions. This variant is present in population databases (rs768589673, gnomAD 0.0009%). This sequence change replaces glutamine, which is neutral and polar, with arginine, which is basic and polar, at codon 378 of the CFTR protein (p.Gln378Arg).

PreventionGenetics, part of Exact Sciences
Classification: Uncertain significance for CFTR-related condition. Last evaluated: 2022-11-02. Review status: criteria provided, single submitter. Criteria: ACMG Guidelines, 2015. Collection method: clinical testing. Allele origin: germline.
Comment: The CFTR c.1133A>G variant is predicted to result in the amino acid substitution p.Gln378Arg. This variant was reported in the compound heterozygous state in an individual with cystic fibrosis (Kanavakis et al. 2003. PubMed ID: 12752573) and in the heterozygous state in an individual reported in the cystic fibrosis mutation database in which a second CFTR variant was not found. This variant is reported in 0.00088% of alleles in individuals of European (Non-Finnish) descent in gnomAD. At this time, the clinical significance of this variant is uncertain due to the absence of conclusive functional and genetic evidence.

Counsyl
Classification: Uncertain significance for Cystic fibrosis. Last evaluated: 2018-02-06. Review status: no assertion criteria provided. Collection method: clinical testing. Allele origin: unknown. Not counted in ClinVar's aggregate classification.

Literature cited by the submitters: PubMed 12752573 (cited by 3 submitters); PubMed 22326559 (cited by 3 submitters).

NM_000492.4(CFTR):c.1133A>G (p.Gln378Arg)

Gene: CFTR (CF transmembrane conductance regulator; plus strand). Cytogenetic location: 7q31.2.
Variant type: single nucleotide variant.
Coding change: c.1133A>G on transcript NM_000492.4 (MANE Select); coding-DNA position 1133, A replaced by G.
Protein change: p.Gln378Arg; replaces glutamine 378 with arginine.
Molecular consequence: missense variant.
Genome position (GRCh38, 1-based): chr7:117,542,032, A>G. VCF-style: chr7-117542032-A-G. GRCh37 (hg19) VCF-style: chr7-117182086-A-G.
Other names: short protein forms Q378R.
Identifiers: ClinVar variation 556550 (VCV000556550.9), dbSNP rs768589673, ClinGen allele CA4450907.
Genomic context (GRCh38, chr7:117,542,032, plus strand): 5'-CTATTCTGATTCTATAATATGTTTTTGCTCTCTTTTATAAATAGGATTTCTTACAAAAGC[A>G]AGAATATAAGACATTGGAATATAACTTAACGACTACAGAAGTAGTGATGGAGAATGTAAC-3'
Protein context (NP_000483.3, residues 368-388): INKIQDFLQK[Gln378Arg]EYKTLEYNLT